The following is an entry in ClinVar:

ClinVar aggregate classification (germline): Pathogenic. Review status: criteria provided, multiple submitters, no conflicts (2 of 4 stars). 3 submissions from 3 submitters: Pathogenic (3). Last evaluated 2023-04-12.

Submissions (3):

Labcorp Genetics (formerly Invitae), Labcorp
Classification: Pathogenic. Last evaluated: 2023-04-12. Review status: criteria provided, single submitter. Criteria: Invitae Variant Classification Sherloc (09022015). Collection method: clinical testing. Allele origin: germline.
Comment: For these reasons, this variant has been classified as Pathogenic. Algorithms developed to predict the effect of sequence changes on RNA splicing suggest that this variant may disrupt the consensus splice site. ClinVar contains an entry for this variant (Variation ID: 424353). Disruption of this splice site has been observed in individuals with hypophosphatemia (PMID: 30682568; Invitae). This variant is not present in population databases (gnomAD no frequency). This sequence change affects an acceptor splice site in intron 10 of the PHEX gene. It is expected to disrupt RNA splicing. Variants that disrupt the donor or acceptor splice site typically lead to a loss of protein function (PMID: 16199547), and loss-of-function variants in PHEX are known to be pathogenic (PMID: 9097956, 9106524, 19219621).

Athena Diagnostics
Classification: Pathogenic. Last evaluated: 2018-09-04. Review status: criteria provided, single submitter. Criteria: Athena Diagnostics Criteria. Collection method: clinical testing. Allele origin: germline.
Comment: The variant disrupts a canonical splice site, and is therefore predicted to significantly disrupt the protein structure. Found in at least one symptomatic patient, and not found in general population data.

GeneDx
Classification: Pathogenic. Last evaluated: 2017-03-09. Review status: criteria provided, single submitter. Criteria: GeneDx Variant Classification (06012015). Collection method: clinical testing. Allele origin: germline. Affected: yes.
Comment: The c.1174-2 A>G splice site variant in the PHEX gene destroys the canonical splice acceptor site in intron 10. It is predicted to cause abnormal gene splicing, either leading to an abnormal message that is subject to nonsense-mediated mRNA decay, or to an abnormal protein product if the message is used for protein translation. The variant is not observed in large population cohorts (Lek et al., 2016; 1000 Genomes Consortium et al., 2015; Exome Variant Server).

Literature cited by the submitters: PubMed 30682568 (cited by Labcorp Genetics (formerly Invitae), Labcorp); PubMed 16199547 (cited by Labcorp Genetics (formerly Invitae), Labcorp); PubMed 9097956 (cited by Labcorp Genetics (formerly Invitae), Labcorp); PubMed 9106524 (cited by Labcorp Genetics (formerly Invitae), Labcorp); PubMed 19219621 (cited by Labcorp Genetics (formerly Invitae), Labcorp).

NM_000444.6(PHEX):c.1174-2A>G

Gene: PHEX (phosphate regulating endopeptidase X-linked; plus strand). Cytogenetic location: Xp22.11.
Variant type: single nucleotide variant.
Coding change: c.1174-2A>G on transcript NM_000444.6 (MANE Select); the canonical splice acceptor site of the intron before coding-DNA position 1174, A replaced by G.
Molecular consequence: splice acceptor variant.
Genome position (GRCh38, 1-based): chrX:22,114,456, A>G. VCF-style: chrX-22114456-A-G. GRCh37 (hg19) VCF-style: chrX-22132574-A-G.
Other names: c.1174-2A>G (NM_001282754.2).
Identifiers: ClinVar variation 424353 (VCV000424353.12), dbSNP rs1064796927, ClinGen allele CA16621321.